The following is an entry in ClinVar:

NM_005444.3(CNOT9):c.301G>A (p.Ala101Thr)

Gene: CNOT9 (CCR4-NOT transcription complex subunit 9; plus strand). Cytogenetic location: 2q35.
Variant type: single nucleotide variant.
Coding change: c.301G>A on transcript NM_005444.3 (MANE Select); coding-DNA position 301, G replaced by A.
Protein change: p.Ala101Thr; replaces alanine 101 with threonine.
Molecular consequence: missense variant. On other transcripts: non-coding transcript variant (1).
Genome position (GRCh38, 1-based): chr2:218,583,067, G>A. VCF-style: chr2-218583067-G-A. GRCh37 (hg19) VCF-style: chr2-219447790-G-A.
Other names: c.301G>A, p.Ala101Thr (NM_001271634.2, NM_001271635.2); short protein forms A101T.
Identifiers: ClinVar variation 4683100 (VCV004683100.2).

ClinVar aggregate classification (germline): Uncertain significance (1 of 4 stars; one submission).

Conditions:
CNOT9-associated neurodevelopmental disorder.

Submission:

Institute of Human Genetics, University of Leipzig Medical Center
Classification: Uncertain significance for CNOT9-associated neurodevelopmental disorder. Last evaluated: 2025-12-03. Review status: criteria provided, single submitter. Criteria: ACMG Guidelines, 2015. Collection method: clinical testing. Allele origin: maternal. Inheritance: Autosomal dominant inheritance. Affected: yes.
Comment: Criteria applied: PM2,PP2,PP3

Literature cited by the submitters: PubMed 37092538.